The following is an entry in ClinVar:

ClinVar aggregate classification (germline): Conflicting classifications of pathogenicity. Review status: criteria provided, conflicting classifications (1 of 4 stars). 9 submissions from 9 submitters: Uncertain significance (1); Likely benign (8). Last evaluated 2026-04-01.

Conditions:
Cardiovascular phenotype. Identifiers: MedGen CN230736.
Cardiomyopathy (CMYO). Also called: Cardiomyopathies. Identifiers: Orphanet 167848, MedGen C0878544, MONDO:0004994, HP:0001638. Inheritance: Various modes of inheritance.
Hypertrophic cardiomyopathy. Also called: HYPERTROPHIC MYOCARDIOPATHY. Identifiers: Orphanet 217569, MedGen C0007194, MeSH D002312, MONDO:0005045, HP:0001639.

Allele frequency attached by ClinVar (database versions not stated): gnomAD exomes 0.00001 and 0.00003; gnomAD 0.00002; ExAC 0.00003.
gnomAD v4.1: 48 of 1,612,536 alleles (0.003%); highest among the groups gnomAD compares: East Asian, 0.0045%; no homozygotes.

Submissions (9):

CeGaT Center for Human Genetics Tuebingen
Classification: Likely benign. Last evaluated: 2026-04-01. Review status: criteria provided, single submitter. Criteria: CeGaT Center For Human Genetics Tuebingen Variant Classification Criteria Version 2. Collection method: clinical testing. Allele origin: germline. Affected: yes. Observed: 6 variant alleles.
Comment: MYH7: BP4, BP7

Labcorp Genetics (formerly Invitae), Labcorp
Classification: Likely benign for Hypertrophic cardiomyopathy. Last evaluated: 2025-10-30. Review status: criteria provided, single submitter. Criteria: Invitae Variant Classification Sherloc (09022015). Collection method: clinical testing. Allele origin: germline.

Women's Health and Genetics/Laboratory Corporation of America, LabCorp
Classification: Likely benign. Last evaluated: 2024-12-06. Review status: criteria provided, single submitter. Criteria: LabCorp Variant Classification Summary - May 2015. Collection method: clinical testing. Allele origin: germline.

Blueprint Genetics
Classification: Likely benign. Last evaluated: 2024-11-25. Review status: criteria provided, single submitter. Criteria: ACMG Guidelines, 2015. Collection method: clinical testing. Allele origin: germline.

All of Us Research Program, National Institutes of Health
Classification: Likely benign for Cardiomyopathy. Last evaluated: 2024-05-30. Review status: criteria provided, single submitter. Criteria: ACMG Guidelines, 2015. Collection method: clinical testing. Allele origin: germline. Inheritance: Autosomal dominant inheritance. Observed: 3 variant alleles, 3 heterozygotes.
Comment: This study involves interpretation of variants in research participants for the purpose of population health screening. Participant phenotype was not available at the time of variant classification. Additional details can be found in publication PMID: 35346344, PMCID: PMC8962531

Ambry Genetics
Classification: Likely benign for Cardiovascular phenotype. Last evaluated: 2020-06-25. Review status: criteria provided, single submitter. Criteria: Ambry Variant Classification Scheme 2023. Collection method: clinical testing. Allele origin: germline.

CHEO Genetics Diagnostic Laboratory, Children's Hospital of Eastern Ontario
Classification: Likely benign for Cardiomyopathy. Last evaluated: 2018-10-09. Review status: criteria provided, single submitter. Criteria: ACMG Guidelines, 2015. Collection method: clinical testing. Allele origin: germline.

Color Diagnostics, LLC DBA Color Health
Classification: Likely benign for Cardiomyopathy. Last evaluated: 2018-09-18. Review status: criteria provided, single submitter. Criteria: ACMG Guidelines, 2015. Collection method: clinical testing. Allele origin: germline.

Eurofins Ntd Llc (ga)
Classification: Uncertain significance. Last evaluated: 2016-07-21. Review status: criteria provided, single submitter. Criteria: EGL Classification Definitions 2015. Collection method: clinical testing. Allele origin: germline. Observed: 1 variant allele.

NM_000257.4(MYH7):c.4689G>A (p.Leu1563=)

Genes: MHRT (myosin heavy chain associated RNA transcript; plus strand), MYH7 (myosin heavy chain 7; minus strand), LOC126861897 (BRD4-independent group 4 enhancer GRCh37_chr14:23884455-23885654; plus strand). Cytogenetic location: 14q11.2.
Variant type: single nucleotide variant.
Coding change: c.4689G>A on transcript NM_000257.4 (MANE Select); coding-DNA position 4689, G replaced by A.
Protein change: p.Leu1563=; no amino-acid change (leucine 1563 retained).
Molecular consequence: synonymous variant. On other transcripts: non-coding transcript variant (1).
Genome position (GRCh38, 1-based): chr14:23,416,268, C>T on the plus strand (G>A on the coding strand, the complement: MYH7 is on the minus strand). VCF-style: chr14-23416268-C-T. GRCh37 (hg19) VCF-style: chr14-23885477-C-T.
Other names: c.4689G>A (LRG_384t1).
Identifiers: ClinVar variation 289025 (VCV000289025.33), dbSNP rs770477774, ClinGen allele CA043646.